The following is an entry in ClinVar:

NM_144736.5(NDUFAF7):c.160A>G (p.Thr54Ala)

Gene: NDUFAF7 (NADH:ubiquinone oxidoreductase complex assembly factor 7; plus strand). Cytogenetic location: 2p22.2.
Variant type: single nucleotide variant.
Coding change: c.160A>G on transcript NM_144736.5 (MANE Select); coding-DNA position 160, A replaced by G.
Protein change: p.Thr54Ala; replaces threonine 54 with alanine.
Molecular consequence: missense variant. On other transcripts: non-coding transcript variant (10).
Genome position (GRCh38, 1-based): chr2:37,232,210, A>G. VCF-style: chr2-37232210-A-G. GRCh37 (hg19) VCF-style: chr2-37459353-A-G.
Other names: c.160A>G, p.Thr54Ala (NM_001350027.2, NM_001083946.2, NM_001350024.2 and 1 more transcripts); short protein forms T54A.
Identifiers: ClinVar variation 3612196 (VCV003612196.2).

ClinVar aggregate classification (germline): Uncertain significance (1 of 4 stars; one submission).

gnomAD v4.1: 6 of 1,613,954 alleles (0.00037%); highest among the groups gnomAD compares: South Asian, 0.0011%; no homozygotes.

Submission:

Labcorp Genetics (formerly Invitae), Labcorp
Classification: Uncertain significance. Last evaluated: 2024-10-05. Review status: criteria provided, single submitter. Criteria: Invitae Variant Classification Sherloc (09022015). Collection method: clinical testing. Allele origin: germline.
Comment: This sequence change replaces threonine, which is neutral and polar, with alanine, which is neutral and non-polar, at codon 54 of the NDUFAF7 protein (p.Thr54Ala). This variant is present in population databases (no rsID available, gnomAD 0.0009%). This variant has not been reported in the literature in individuals affected with NDUFAF7-related conditions. An algorithm developed to predict the effect of missense changes on protein structure and function (PolyPhen-2) suggests that this variant is likely to be tolerated. In summary, the available evidence is currently insufficient to determine the role of this variant in disease. Therefore, it has been classified as a Variant of Uncertain Significance.